The following is an entry in ClinVar:

ClinVar aggregate classification (germline): Uncertain significance. Review status: criteria provided, multiple submitters, no conflicts (2 of 4 stars). 4 submissions from 3 submitters: Uncertain significance (4). Last evaluated 2022-04-18.

Conditions:
Mucopolysaccharidosis, MPS-III-B (MPS3B). Also called: SANFILIPPO SYNDROME B; MPS III B; MUCOPOLYSACCHARIDOSIS, TYPE IIIB; Mucopolysaccharidosis type IIIB (Sanfilippo B); MPS IIIB (Sanfilippo Syndrome Type B); N-ACETYL-ALPHA-D-GLUCOSAMINIDASE DEFICIENCY. Identifiers: Orphanet 79270, MedGen C0086648, MONDO:0009656, OMIM 252920.
Charcot-Marie-Tooth disease axonal type 2V. Also called: CHARCOT-MARIE-TOOTH NEUROPATHY, TYPE 2V; CHARCOT-MARIE-TOOTH DISEASE, AXONAL, AUTOSOMAL DOMINANT, TYPE 2V. Identifiers: Orphanet 447964, MedGen C5569050, MONDO:0014665, OMIM 616491.

Allele frequency attached by ClinVar (database versions not stated): TOPMed 0.00001.
gnomAD v4.1: 13 of 1,613,430 alleles (0.00081%); highest among the groups gnomAD compares: African/African-American, 0.008%; no homozygotes.

Submissions (4):

Labcorp Genetics (formerly Invitae), Labcorp
Classification: Uncertain significance for Charcot-Marie-Tooth disease axonal type 2V; Mucopolysaccharidosis, MPS-III-B. Last evaluated: 2022-04-18. Review status: criteria provided, single submitter. Criteria: Invitae Variant Classification Sherloc (09022015). Collection method: clinical testing. Allele origin: germline.
Comment: This sequence change replaces asparagine, which is neutral and polar, with serine, which is neutral and polar, at codon 435 of the NAGLU protein (p.Asn435Ser). This variant is present in population databases (no rsID available, gnomAD 0.003%). This variant has not been reported in the literature in individuals affected with NAGLU-related conditions. ClinVar contains an entry for this variant (Variation ID: 548579). Advanced modeling of protein sequence and biophysical properties (such as structural, functional, and spatial information, amino acid conservation, physicochemical variation, residue mobility, and thermodynamic stability) performed at Invitae indicates that this missense variant is expected to disrupt NAGLU protein function. Algorithms developed to predict the effect of sequence changes on RNA splicing suggest that this variant may create or strengthen a splice site. In summary, the available evidence is currently insufficient to determine the role of this variant in disease. Therefore, it has been classified as a Variant of Uncertain Significance.

Fulgent Genetics
Classification: Uncertain significance for Mucopolysaccharidosis, MPS-III-B; Charcot-Marie-Tooth disease axonal type 2V. Last evaluated: 2018-10-31. Review status: criteria provided, single submitter. Criteria: ACMG Guidelines, 2015. Collection method: clinical testing. Allele origin: unknown.

Genomic Research Center, Shahid Beheshti University of Medical Sciences
Classification: Uncertain significance for Mucopolysaccharidosis, MPS-III-B. Last evaluated: 2018-03-05. Review status: criteria provided, single submitter. Criteria: ACMG Guidelines, 2015. Collection method: clinical testing. Allele origin: inherited. Affected: yes. Observed: 1 variant allele.

Genomic Research Center, Shahid Beheshti University of Medical Sciences
Classification: Uncertain significance for Charcot-Marie-Tooth disease axonal type 2V. Last evaluated: 2018-03-05. Review status: criteria provided, single submitter. Criteria: ACMG Guidelines, 2015. Collection method: clinical testing. Allele origin: inherited. Affected: yes. Observed: 1 variant allele.

NM_000263.4(NAGLU):c.1304A>G (p.Asn435Ser)

Gene: NAGLU (N-acetyl-alpha-glucosaminidase; plus strand). Cytogenetic location: 17q21.2.
Variant type: single nucleotide variant.
Coding change: c.1304A>G on transcript NM_000263.4 (MANE Select); coding-DNA position 1304, A replaced by G.
Protein change: p.Asn435Ser; replaces asparagine 435 with serine.
Molecular consequence: missense variant.
Genome position (GRCh38, 1-based): chr17:42,543,310, A>G. VCF-style: chr17-42543310-A-G. GRCh37 (hg19) VCF-style: chr17-40695328-A-G.
Other names: short protein forms N435S.
Identifiers: ClinVar variation 548579 (VCV000548579.7), dbSNP rs764815033, ClinGen allele CA290780307.